The following is an entry in ClinVar:

ClinVar aggregate classification (germline): Conflicting classifications of pathogenicity. Review status: criteria provided, conflicting classifications (1 of 4 stars). 19 submissions from 19 submitters: Uncertain significance (1); Benign (5); Likely benign (7). 6 of the submissions do not count toward it. Last evaluated 2026-04-01.

Conditions:
LMNA-related disorder. Also called: LMNA-related disorders; LMNA-related condition; LMNA-related disease. Identifiers: MedGen CN380145.
Cardiovascular phenotype. Identifiers: MedGen CN230736.
Charcot-Marie-Tooth disease. Also called: Charcot-Marie-Tooth Hereditary Neuropathy; Charcot-Marie-Tooth Neuropathy. Identifiers: Orphanet 166, MedGen C0007959, MONDO:0015626.
Charcot-Marie-Tooth disease type 2. Also called: Charcot-Marie-Tooth type 2. Identifiers: Orphanet 64746, MedGen C0270914, MONDO:0018993.
Cardiomyopathy (CMYO). Also called: Cardiomyopathies. Identifiers: Orphanet 167848, MedGen C0878544, MONDO:0004994, HP:0001638. Inheritance: Various modes of inheritance.

Allele frequency attached by ClinVar (database versions not stated): gnomAD 0.00021 and 0.00031; gnomAD exomes 0.00028 and 0.00071; TOPMed 0.00044; ExAC 0.00063; 1000 Genomes Project 0.00100; 1000 Genomes Project 30x 0.00109.
gnomAD v4.1: 473 of 1,614,134 alleles (0.029%); highest among the groups gnomAD compares: East Asian, 0.67%; 5 homozygotes.

Submissions (19):

CeGaT Center for Human Genetics Tuebingen
Classification: Likely benign. Last evaluated: 2026-04-01. Review status: criteria provided, single submitter. Criteria: CeGaT Center For Human Genetics Tuebingen Variant Classification Criteria Version 2. Collection method: clinical testing. Allele origin: germline. Affected: yes. Observed: 5 variant alleles.
Comment: LMNA: BP4, BP7

Labcorp Genetics (formerly Invitae), Labcorp
Classification: Benign for Charcot-Marie-Tooth disease type 2. Last evaluated: 2026-01-28. Review status: criteria provided, single submitter. Criteria: Invitae Variant Classification Sherloc (09022015). Collection method: clinical testing. Allele origin: germline.

Mayo Clinic Laboratories, Mayo Clinic
Classification: Benign. Last evaluated: 2025-06-11. Review status: criteria provided, single submitter. Criteria: ACMG Guidelines, 2015. Collection method: clinical testing. Allele origin: germline. Observed: 1 variant allele.
Comment: BS1, BS2, BP4, BP7

Blueprint Genetics
Classification: Likely benign. Last evaluated: 2024-09-23. Review status: criteria provided, single submitter. Criteria: ACMG Guidelines, 2015. Collection method: clinical testing. Allele origin: germline.

Women's Health and Genetics/Laboratory Corporation of America, LabCorp
Classification: Benign. Last evaluated: 2023-09-25. Review status: criteria provided, single submitter. Criteria: LabCorp Variant Classification Summary - May 2015. Collection method: clinical testing. Allele origin: germline.

GeneDx
Classification: Likely benign. Last evaluated: 2021-03-24. Review status: criteria provided, single submitter. Criteria: GeneDx Variant Classification Process June 2021. Collection method: clinical testing. Allele origin: germline. Affected: yes.
Comment: This variant is associated with the following publications: (PMID: 23861362, 19638735, 28679633)

Color Diagnostics, LLC DBA Color Health
Classification: Benign for Cardiomyopathy. Last evaluated: 2018-07-10. Review status: criteria provided, single submitter. Criteria: ACMG Guidelines, 2015. Collection method: clinical testing. Allele origin: germline.

CHEO Genetics Diagnostic Laboratory, Children's Hospital of Eastern Ontario
Classification: Benign for Cardiomyopathy. Last evaluated: 2018-02-07. Review status: criteria provided, single submitter. Criteria: ACMG Guidelines, 2015. Collection method: clinical testing. Allele origin: germline.

Genetic Services Laboratory, University of Chicago
Classification: Likely benign. Last evaluated: 2016-06-16. Review status: criteria provided, single submitter. Criteria: ACMG Guidelines, 2015. Collection method: clinical testing. Allele origin: germline. Affected: no.

Eurofins Ntd Llc (ga)
Classification: Likely benign. Last evaluated: 2016-04-15. Review status: criteria provided, single submitter. Criteria: EGL Classification Definitions 2015. Collection method: clinical testing. Allele origin: germline. Observed: 1 variant allele, 1 heterozygote.

Ambry Genetics
Classification: Likely benign for Cardiovascular phenotype. Last evaluated: 2013-11-20. Review status: criteria provided, single submitter. Criteria: Ambry Autosomal Dominant and X-Linked criteria (10/2015). Collection method: clinical testing. Allele origin: germline. Observed: 1 variant allele.

Biesecker Lab/Clinical Genomics Section, National Institutes of Health
Classification: Uncertain significance. Last evaluated: 2013-06-24. Review status: criteria provided, single submitter. Criteria: Ng et al. (Circ Cardiovasc Genet. 2013). Collection method: research. Allele origin: unknown. Observed: 1 variant allele. Study: ClinSeq.
Comment: The study set was not selected for affection status in relation to any cancer. Pathogenicity categories were based on literature curation. See Pubmed ID:23861362 for details.

Medical sequencing

Molecular Genetics Laboratory, London Health Sciences Centre
Classification: Likely benign for Charcot-Marie-Tooth disease. Review status: criteria provided, single submitter. Criteria: ACMG Guidelines, 2015. Collection method: clinical testing. Allele origin: germline. Affected: yes.

PreventionGenetics, part of Exact Sciences
Classification: Likely benign for LMNA-related condition. Last evaluated: 2019-04-01. Review status: no assertion criteria provided. Collection method: clinical testing. Allele origin: germline. Not counted in ClinVar's aggregate classification.
Comment: This variant is classified as likely benign based on ACMG/AMP sequence variant interpretation guidelines (Richards et al. 2015 PMID: 25741868, with internal and published modifications).

Clinical Genetics DNA and cytogenetics Diagnostics Lab, Erasmus MC, Erasmus Medical Center
Classification: Likely benign. Review status: no assertion criteria provided. Collection method: clinical testing. Allele origin: germline. Affected: yes. Study: VKGL Data-share Consensus. Not counted in ClinVar's aggregate classification.

Clinical Genetics, Academic Medical Center
Classification: Benign. Review status: no assertion criteria provided. Collection method: clinical testing. Allele origin: germline. Affected: yes. Study: VKGL Data-share Consensus. Not counted in ClinVar's aggregate classification.

Genome Diagnostics Laboratory, University Medical Center Utrecht
Classification: Likely benign. Review status: no assertion criteria provided. Collection method: clinical testing. Allele origin: germline. Affected: yes. Study: VKGL Data-share Consensus. Not counted in ClinVar's aggregate classification.

Joint Genome Diagnostic Labs from Nijmegen and Maastricht, Radboudumc and MUMC+
Classification: Likely benign. Review status: no assertion criteria provided. Collection method: clinical testing. Allele origin: germline. Affected: yes. Study: VKGL Data-share Consensus. Not counted in ClinVar's aggregate classification.

Laboratory of Diagnostic Genome Analysis, Leiden University Medical Center (LUMC)
Classification: Likely benign. Review status: no assertion criteria provided. Collection method: clinical testing. Allele origin: germline. Affected: yes. Study: VKGL Data-share Consensus. Not counted in ClinVar's aggregate classification.

NM_170707.4(LMNA):c.1017G>A (p.Ala339=)

Gene: LMNA (lamin A/C; plus strand). Cytogenetic location: 1q22.
Variant type: single nucleotide variant.
Coding change: c.1017G>A on transcript NM_170707.4 (MANE Select); coding-DNA position 1017, G replaced by A.
Protein change: p.Ala339=; no amino-acid change (alanine 339 retained).
Molecular consequence: synonymous variant.
Genome position (GRCh38, 1-based): chr1:156,135,981, G>A. VCF-style: chr1-156135981-G-A. GRCh37 (hg19) VCF-style: chr1-156105772-G-A.
Other names: p.Ala339=; c.681G>A, p.Ala227= (NM_001257374.3); c.774G>A, p.Ala258= (NM_001282624.2); c.1017G>A, p.Ala339= (NM_001282625.2, NM_001282626.2, NM_005572.4 and 1 more transcripts).
Identifiers: ClinVar variation 191702 (VCV000191702.77), dbSNP rs17847242, ClinGen allele CA016439.
Genomic context (GRCh38, chr1:156,135,981, plus strand): 5'-GCTTCGAGACCTGGAGGACTCACTGGCCCGTGAGCGGGACACCAGCCGGCGGCTGCTGGC[G>A]GAAAAGGAGCGGGAGATGGCCGAGATGCGGGCAAGGATGCAGCAGCAGCTGGACGAGTAC-3'
Protein context (NP_733821.1, residues 329-349): RERDTSRRLL[Ala339=]EKEREMAEMR